The following is an entry in ClinVar:

NM_000092.5(COL4A4):c.3743G>A (p.Gly1248Glu)

Gene: COL4A4 (collagen type IV alpha 4 chain; minus strand). Cytogenetic location: 2q36.3.
Variant type: single nucleotide variant.
Coding change: c.3743G>A on transcript NM_000092.5 (MANE Select); coding-DNA position 3743, G replaced by A.
Protein change: p.Gly1248Glu; replaces glycine 1248 with glutamic acid.
Molecular consequence: missense variant.
Genome position (GRCh38, 1-based): chr2:227,032,019, C>T on the plus strand (G>A on the coding strand, the complement: COL4A4 is on the minus strand). VCF-style: chr2-227032019-C-T. GRCh37 (hg19) VCF-style: chr2-227896735-C-T.
Other names: short protein forms G1248E.
Identifiers: ClinVar variation 804581 (VCV000804581.7), dbSNP rs548799639, ClinGen allele CA2144429.

ClinVar aggregate classification (germline): Conflicting classifications of pathogenicity. Review status: criteria provided, conflicting classifications (1 of 4 stars). 5 submissions from 5 submitters: Likely pathogenic (1); Uncertain significance (4). Last evaluated 2025-08-15.

Conditions:
Autosomal recessive Alport syndrome (ATS2). Also called: Alport syndrome type 2; COL4A4 Alport Syndrome and Thin Basement Membrane Nephropathy; ALPORT SYNDROME 2, AUTOSOMAL RECESSIVE; COL4A3-Related Nephropathy. Identifiers: Orphanet 63, Orphanet 88919, MedGen C4746745, MONDO:0008762, OMIM 203780.
Hematuria, benign familial, 1 (BFH1). Also called: THIN MEMBRANE NEPHROPATHY. Identifiers: MedGen CN376803, MONDO:0007709, OMIM 141200.

Allele frequency attached by ClinVar (database versions not stated): gnomAD 0.00003 and 0.00004; TOPMed 0.00003; gnomAD exomes 0.00004 and 0.00006; ExAC 0.00007.
gnomAD v4.1: 55 of 1,613,974 alleles (0.0034%); highest among the groups gnomAD compares: Non-Finnish European, 0.0047%; no homozygotes.

Submissions (5):

Labcorp Genetics (formerly Invitae), Labcorp
Classification: Uncertain significance. Last evaluated: 2025-08-15. Review status: criteria provided, single submitter. Criteria: Invitae Variant Classification Sherloc (09022015). Collection method: clinical testing. Allele origin: germline.
Comment: This sequence change replaces glycine, which is neutral and non-polar, with glutamic acid, which is acidic and polar, at codon 1248 of the COL4A4 protein (p.Gly1248Glu). This variant is present in population databases (rs548799639, gnomAD 0.01%). This missense change has been observed in individual(s) with clinical features of Alport syndrome (PMID: 36117978). ClinVar contains an entry for this variant (Variation ID: 804581). Invitae Evidence Modeling of protein sequence and biophysical properties (such as structural, functional, and spatial information, amino acid conservation, physicochemical variation, residue mobility, and thermodynamic stability) indicates that this missense variant is expected to disrupt COL4A4 protein function with a positive predictive value of 95%. In summary, the available evidence is currently insufficient to determine the role of this variant in disease. Therefore, it has been classified as a Variant of Uncertain Significance.

Blueprint Genetics
Classification: Uncertain significance. Last evaluated: 2024-08-09. Review status: criteria provided, single submitter. Criteria: ACMG Guidelines, 2015. Collection method: clinical testing. Allele origin: germline.

GeneDx
Classification: Uncertain significance. Last evaluated: 2024-07-18. Review status: criteria provided, single submitter. Criteria: GeneDx Variant Classification Process June 2021. Collection method: clinical testing. Allele origin: germline. Affected: yes.
Comment: In silico analysis supports that this missense variant has a deleterious effect on protein structure/function; This variant is associated with the following publications: (PMID: 36117978)

Fulgent Genetics
Classification: Uncertain significance for Hematuria, benign familial, 1; Autosomal recessive Alport syndrome. Last evaluated: 2024-06-18. Review status: criteria provided, single submitter. Criteria: ACMG Guidelines, 2015. Collection method: clinical testing. Allele origin: germline.

Athena Diagnostics
Classification: Likely pathogenic. Last evaluated: 2018-09-06. Review status: criteria provided, single submitter. Criteria: Athena Diagnostics Criteria. Collection method: clinical testing. Allele origin: germline.
Comment: The variant disrupts a glycine residue in the canonical Gly-X-Y repeats of the triple helix domain, which are required for stability and structure of this protein. Therefore it is expected to severely affect the function of the protein. The best available variant frequency is uninformative because it is below the disease allele frequency.

Literature cited by the submitters: PubMed 36117978 (cited by Labcorp Genetics (formerly Invitae), Labcorp).